The following is an entry in ClinVar:

NM_001098816.3(TENM4):c.5305C>A (p.Arg1769=)

Gene: TENM4 (teneurin transmembrane protein 4; minus strand). Cytogenetic location: 11q14.1.
Variant type: single nucleotide variant.
Coding change: c.5305C>A on transcript NM_001098816.3 (MANE Select); coding-DNA position 5305, C replaced by A.
Protein change: p.Arg1769=; no amino-acid change (arginine 1769 retained).
Molecular consequence: synonymous variant.
Genome position (GRCh38, 1-based): chr11:78,676,343, G>T on the plus strand (C>A on the coding strand, the complement: TENM4 is on the minus strand). VCF-style: chr11-78676343-G-T. GRCh37 (hg19) VCF-style: chr11-78387388-G-T.
Other names: p.Arg1769=.
Identifiers: ClinVar variation 4683670 (VCV004683670.1).

ClinVar aggregate classification (germline): Likely benign (1 of 4 stars; one submission).

gnomAD v4.1: 2 of 1,608,964 alleles (0.00012%); highest among the groups gnomAD compares: Non-Finnish European, 0.00017%; no homozygotes.

Submission:

Mayo Clinic Laboratories, Mayo Clinic
Classification: Likely benign. Last evaluated: 2025-01-13. Review status: criteria provided, single submitter. Criteria: ACMG Guidelines, 2015. Collection method: clinical testing. Allele origin: germline. Observed: 1 variant allele.
Comment: BP4, BP7